The following is an entry in ClinVar:

ClinVar aggregate classification (germline): Pathogenic/Likely pathogenic. Review status: criteria provided, multiple submitters, no conflicts (2 of 4 stars). 2 submissions from 2 submitters: Pathogenic (1); Likely pathogenic (1). Last evaluated 2019-07-08.

Conditions:
Hereditary spherocytosis type 2. Also called: SPHEROCYTOSIS, TYPE 2, AUTOSOMAL DOMINANT. Identifiers: Orphanet 822, MedGen C2674219, MONDO:0000913, OMIM 616649.

Submissions (2):

UOS Fisiopatologia delle Anemie, Fondazione IRCCS Ca' Granda Ospedale Maggiore Policlinico Milano
Classification: Pathogenic for Hereditary spherocytosis type 2. Last evaluated: 2019-07-08. Review status: criteria provided, single submitter. Criteria: ACMG Guidelines, 2015. Collection method: clinical testing. Allele origin: germline. Affected: yes. Observed: 1 variant allele.

Mayo Clinic Laboratories, Mayo Clinic
Classification: Likely pathogenic. Last evaluated: 2019-06-13. Review status: criteria provided, single submitter. Criteria: ACMG Guidelines, 2015. Collection method: clinical testing. Allele origin: germline. Observed: 1 variant allele.
Comment: PVS1, PM2

NM_001355436.2(SPTB):c.3936G>A (p.Trp1312Ter)

Gene: SPTB (spectrin beta, erythrocytic; minus strand). Cytogenetic location: 14q23.3.
Variant type: single nucleotide variant.
Coding change: c.3936G>A on transcript NM_001355436.2 (MANE Select); coding-DNA position 3936, G replaced by A.
Protein change: p.Trp1312Ter; replaces tryptophan 1312 with a stop codon.
Molecular consequence: nonsense.
Genome position (GRCh38, 1-based): chr14:64,784,313, C>T on the plus strand (G>A on the coding strand, the complement: SPTB is on the minus strand). VCF-style: chr14-64784313-C-T. GRCh37 (hg19) VCF-style: chr14-65251031-C-T.
Other names: c.3936G>A, p.Trp1312Ter (NM_001024858.4, NM_001355437.2); short protein forms W1312*.
Identifiers: ClinVar variation 992927 (VCV000992927.6), dbSNP rs2139555500, ClinGen allele CA390045377.